The following is an entry in ClinVar:

ClinVar aggregate classification (germline): Benign. Review status: criteria provided, multiple submitters, no conflicts (2 of 4 stars). 6 submissions from 6 submitters: Benign (5). 1 of the submissions does not count toward it. Last evaluated 2026-02-04.

Conditions:
LRRC56-related disorder. Also called: LRRC56-related condition.
Ciliary dyskinesia, primary, 39. Also called: CILIARY DYSKINESIA, PRIMARY, 39, WITH OR WITHOUT SITUS INVERSUS. Identifiers: MedGen C4748841, MONDO:0032637, OMIM 618254.

Allele frequency attached by ClinVar (database versions not stated): ESP Exome Variant Server 0.57605; TOPMed 0.59080; gnomAD 0.59216 and 0.60103; 1000 Genomes Project 30x 0.64038; 1000 Genomes Project 0.64736; ExAC 0.65633; gnomAD exomes 0.65718.
gnomAD v4.1: 1,036,207 of 1,610,428 alleles (64%); highest among the groups gnomAD compares: East Asian, 87%; 336,695 homozygotes.

Submissions (6):

Labcorp Genetics (formerly Invitae), Labcorp
Classification: Benign. Last evaluated: 2026-02-04. Review status: criteria provided, single submitter. Criteria: Invitae Variant Classification Sherloc (09022015). Collection method: clinical testing. Allele origin: germline.

Blueprint Genetics
Classification: Benign. Last evaluated: 2024-11-27. Review status: criteria provided, single submitter. Criteria: ACMG Guidelines, 2015. Collection method: clinical testing. Allele origin: germline.

Genome-Nilou Lab
Classification: Benign for Ciliary dyskinesia, primary, 39. Last evaluated: 2021-08-19. Review status: criteria provided, single submitter. Criteria: ACMG Guidelines, 2015. Collection method: clinical testing. Allele origin: germline. Affected: no.

GeneDx
Classification: Benign. Last evaluated: 2021-05-04. Review status: criteria provided, single submitter. Criteria: GeneDx Variant Classification Process June 2021. Collection method: clinical testing. Allele origin: germline. Affected: yes.

Breakthrough Genomics
Classification: Benign. Review status: criteria provided, single submitter. Criteria: ACMG Guidelines, 2015. Collection method: not provided. Allele origin: germline. Inheritance: Autosomal recessive inheritance. Affected: yes.

PreventionGenetics, part of Exact Sciences
Classification: Benign for LRRC56-related condition. Last evaluated: 2019-10-17. Review status: no assertion criteria provided. Collection method: clinical testing. Allele origin: germline. Not counted in ClinVar's aggregate classification.
Comment: This variant is classified as benign based on ACMG/AMP sequence variant interpretation guidelines (Richards et al. 2015 PMID: 25741868, with internal and published modifications).

NM_198075.4(LRRC56):c.899G>A (p.Arg300His)

Gene: LRRC56 (leucine rich repeat containing 56; plus strand). Cytogenetic location: 11p15.5.
Variant type: single nucleotide variant.
Coding change: c.899G>A on transcript NM_198075.4 (MANE Select); coding-DNA position 899, G replaced by A.
Protein change: p.Arg300His; replaces arginine 300 with histidine.
Molecular consequence: missense variant.
Genome position (GRCh38, 1-based): chr11:551,753, G>A. VCF-style: chr11-551753-G-A. GRCh37 (hg19) VCF-style: chr11-551753-G-A.
Other names: short protein forms R300H.
Identifiers: ClinVar variation 1233089 (VCV001233089.17), dbSNP rs4963198, ClinGen allele CA5779861.